The following is an entry in ClinVar:

ClinVar aggregate classification (germline): Uncertain significance (1 of 4 stars; one submission).

Submission:

GeneDx
Classification: Uncertain significance. Last evaluated: 2020-10-07. Review status: criteria provided, single submitter. Criteria: GeneDx Variant Classification Process June 2021. Collection method: clinical testing. Allele origin: germline. Affected: yes.
Comment: Has not been previously published as pathogenic or benign to our knowledge; Not observed in large population cohorts (Lek et al., 2016); In silico analysis supports that this missense variant does not alter protein structure/function

NM_000238.4(KCNH2):c.2737G>A (p.Ala913Thr)

Gene: KCNH2 (potassium voltage-gated channel subfamily H member 2; minus strand). Cytogenetic location: 7q36.1.
Variant type: single nucleotide variant.
Coding change: c.2737G>A on transcript NM_000238.4 (MANE Select); coding-DNA position 2737, G replaced by A.
Protein change: p.Ala913Thr; replaces alanine 913 with threonine.
Molecular consequence: missense variant.
Genome position (GRCh38, 1-based): chr7:150,947,834, C>T on the plus strand (G>A on the coding strand, the complement: KCNH2 is on the minus strand). VCF-style: chr7-150947834-C-T. GRCh37 (hg19) VCF-style: chr7-150644922-C-T.
Other names: c.1717G>A, p.Ala573Thr (NM_172057.3); short protein forms A573T, A913T.
Identifiers: ClinVar variation 1188698 (VCV001188698.2), dbSNP rs2116933927, ClinGen allele CA369853491.
Genomic context (GRCh38, chr7:150,947,834, plus strand): 5'-TGGACGGGCTCTCCCCCCACGGCCCCCCCGGCCGGCCCCGGCTACTCGGCCCTGCCCCCG[C>T]CCGGCCCGGCCCCAAGGCCGACACCTCCCCTGGCTGCTCCGTGTCTGTGGGAAACAGAGA-3'
Protein context (NP_000229.1, residues 903-923): GEVSALGPGR[Ala913Thr]GAGPSSRGRP